The following is an entry in ClinVar:

ClinVar aggregate classification (germline): Pathogenic/Likely pathogenic. Review status: criteria provided, multiple submitters, no conflicts (2 of 4 stars). 3 submissions from 3 submitters: Pathogenic (1); Likely pathogenic (1). 1 of the submissions does not count toward it. Last evaluated 2026-01-28.

Conditions:
Glucose-6-phosphate transport defect (GSD1B). Also called: Glycogen Storage Disease Type Ib; GSD Ib. Identifiers: Orphanet 364, Orphanet 79259, MedGen C0268146, MONDO:0009288, OMIM 232220.

Submissions (3):

Labcorp Genetics (formerly Invitae), Labcorp
Classification: Pathogenic for Glucose-6-phosphate transport defect. Last evaluated: 2026-01-28. Review status: criteria provided, single submitter. Criteria: Invitae Variant Classification Sherloc (09022015). Collection method: clinical testing. Allele origin: germline.
Comment: This sequence change affects a donor splice site in intron 3 of the SLC37A4 gene. It is expected to disrupt RNA splicing. Variants that disrupt the donor or acceptor splice site typically lead to a loss of protein function (PMID: 16199547), and loss-of-function variants in SLC37A4 are known to be pathogenic (PMID: 9758626, 10940311). This variant is not present in population databases (gnomAD no frequency). Disruption of this splice site has been observed in individual(s) with SLC37A4-related conditions (PMID: 9675154, 10323254). In at least one individual the data is consistent with being in trans (on the opposite chromosome) from a pathogenic variant. ClinVar contains an entry for this variant (Variation ID: 549913). Algorithms developed to predict the effect of sequence changes on RNA splicing suggest that this variant may disrupt the consensus splice site. For these reasons, this variant has been classified as Pathogenic.

Baylor Genetics
Classification: Likely pathogenic for Glucose-6-phosphate transport defect. Last evaluated: 2023-05-11. Review status: criteria provided, single submitter. Criteria: ACMG Guidelines, 2015. Collection method: clinical testing. Allele origin: unknown.

Counsyl
Classification: Likely pathogenic for Glucose-6-phosphate transport defect. Last evaluated: 2018-02-15. Review status: no assertion criteria provided. Collection method: clinical testing. Allele origin: unknown. Not counted in ClinVar's aggregate classification.

Literature cited by the submitters: PubMed 16199547 (cited by Labcorp Genetics (formerly Invitae), Labcorp); PubMed 9758626 (cited by Labcorp Genetics (formerly Invitae), Labcorp); PubMed 10940311 (cited by Labcorp Genetics (formerly Invitae), Labcorp); PubMed 9675154 (cited by Labcorp Genetics (formerly Invitae), Labcorp); PubMed 10323254 (cited by Labcorp Genetics (formerly Invitae), Labcorp).

NM_001164277.2(SLC37A4):c.148+2T>C

Gene: SLC37A4 (solute carrier family 37 member 4; minus strand). Cytogenetic location: 11q23.3.
Variant type: single nucleotide variant.
Coding change: c.148+2T>C on transcript NM_001164277.2 (MANE Select); the canonical splice donor site of the intron after coding-DNA position 148, T replaced by C.
Molecular consequence: splice donor variant. On other transcripts: intron variant (1).
Genome position (GRCh38, 1-based): chr11:119,029,220, A>G on the plus strand (T>C on the coding strand, the complement: SLC37A4 is on the minus strand). VCF-style: chr11-119029220-A-G. GRCh37 (hg19) VCF-style: chr11-118899930-A-G.
Other names: c.-172+172T>C (NM_001164279.2); c.148+2T>C (NM_001467.6, NM_001164278.2, NM_001164280.2).
Identifiers: ClinVar variation 549913 (VCV000549913.9), dbSNP rs1449998297, ClinGen allele CA382907826.